The following is an entry in ClinVar:

NM_004006.3(DMD):c.3959C>G (p.Pro1320Arg)

Gene: DMD (dystrophin; minus strand). Cytogenetic location: Xp21.1.
Variant type: single nucleotide variant.
Coding change: c.3959C>G on transcript NM_004006.3 (MANE Select); coding-DNA position 3959, C replaced by G.
Protein change: p.Pro1320Arg; replaces proline 1320 with arginine.
Molecular consequence: missense variant.
Genome position (GRCh38, 1-based): chrX:32,438,353, G>C on the plus strand (C>G on the coding strand, the complement: DMD is on the minus strand). VCF-style: chrX-32438353-G-C. GRCh37 (hg19) VCF-style: chrX-32456470-G-C.
Other names: c.3935C>G, p.Pro1312Arg (NM_000109.4); c.3947C>G, p.Pro1316Arg (NM_004009.3); c.3590C>G, p.Pro1197Arg (NM_004010.3); short protein forms P1320R, P1197R, P1316R, P1312R.
Identifiers: ClinVar variation 281720 (VCV000281720.20), dbSNP rs766977775, ClinGen allele CA10379144.

ClinVar aggregate classification (germline): Conflicting classifications of pathogenicity. Review status: criteria provided, conflicting classifications (1 of 4 stars). 6 submissions from 6 submitters: Uncertain significance (1); Benign (2); Likely benign (3). Last evaluated 2026-01-27.

Conditions:
Cardiovascular phenotype. Identifiers: MedGen CN230736.
Duchenne muscular dystrophy (DMD). Also called: Duchenne Muscular Dystrophy (DMD); MUSCULAR DYSTROPHY, PSEUDOHYPERTROPHIC PROGRESSIVE, DUCHENNE TYPE. Identifiers: Orphanet 98896, MedGen C0013264, MONDO:0010679, OMIM 310200.

Allele frequency attached by ClinVar (database versions not stated): gnomAD 0.00005; ExAC 0.00010; gnomAD exomes 0.00010 and 0.00020; TOPMed 0.00011.
gnomAD v4.1: 51 of 1,209,518 alleles (0.0042%); highest among the groups gnomAD compares: Admixed American, 0.11%; no homozygotes.

Submissions (6):

Labcorp Genetics (formerly Invitae), Labcorp
Classification: Benign for Duchenne muscular dystrophy. Last evaluated: 2026-01-27. Review status: criteria provided, single submitter. Criteria: Invitae Variant Classification Sherloc (09022015). Collection method: clinical testing. Allele origin: germline.

Molecular Diagnostic Laboratory for Inherited Cardiovascular Disease, Montreal Heart Institute
Classification: Likely benign. Last evaluated: 2025-04-09. Review status: criteria provided, single submitter. Criteria: ACMG Guidelines, 2015. Collection method: clinical testing. Allele origin: germline. Affected: no.
Comment: BS1, BP1, BP4, BP6

Blueprint Genetics
Classification: Likely benign. Last evaluated: 2023-10-06. Review status: criteria provided, single submitter. Criteria: ACMG Guidelines, 2015. Collection method: clinical testing. Allele origin: germline.

Ambry Genetics
Classification: Benign for Cardiovascular phenotype. Last evaluated: 2023-02-13. Review status: criteria provided, single submitter. Criteria: Ambry Variant Classification Scheme 2023. Collection method: clinical testing. Allele origin: germline.

Eurofins Ntd Llc (ga)
Classification: Uncertain significance. Last evaluated: 2018-06-15. Review status: criteria provided, single submitter. Criteria: EGL ClinVar v180209 classification definitions. Collection method: clinical testing. Allele origin: germline. Observed: 2 variant alleles, 2 heterozygotes.

GeneDx
Classification: Likely benign. Last evaluated: 2017-06-26. Review status: criteria provided, single submitter. Criteria: GeneDx Variant Classification (06012015). Collection method: clinical testing. Allele origin: germline. Affected: yes.
Comment: This variant is considered likely benign or benign based on one or more of the following criteria: it is a conservative change, it occurs at a poorly conserved position in the protein, it is predicted to be benign by multiple in silico algorithms, and/or has population frequency not consistent with disease.